The following is an entry in ClinVar:

ClinVar aggregate classification (germline): Uncertain significance (1 of 4 stars; one submission).

Conditions:
Cardiovascular phenotype. Identifiers: MedGen CN230736.

gnomAD v4.1: 17 of 1,550,420 alleles (0.0011%); highest among the groups gnomAD compares: East Asian, 0.0073%; no homozygotes.

Submission:

Ambry Genetics
Classification: Uncertain significance for Cardiovascular phenotype. Last evaluated: 2024-12-28. Review status: criteria provided, single submitter. Criteria: Ambry Variant Classification Scheme 2023. Collection method: clinical testing. Allele origin: germline.
Comment: The p.R3818W variant (also known as c.11452C>T), located in coding exon 2 of the ZNF469 gene, results from a C to T substitution at nucleotide position 11452. The arginine at codon 3818 is replaced by tryptophan, an amino acid with dissimilar properties. This amino acid position is conserved. In addition, this alteration is predicted to be tolerated by in silico analysis. Based on the available evidence, the clinical significance of this variant remains unclear.

NM_001367624.2(ZNF469):c.11536C>T (p.Arg3846Trp)

Gene: ZNF469 (zinc finger protein 469; plus strand). Cytogenetic location: 16q24.2.
Variant type: single nucleotide variant.
Coding change: c.11536C>T on transcript NM_001367624.2 (MANE Select); coding-DNA position 11536, C replaced by T.
Protein change: p.Arg3846Trp; replaces arginine 3846 with tryptophan.
Molecular consequence: missense variant.
Genome position (GRCh38, 1-based): chr16:88,439,006, C>T. VCF-style: chr16-88439006-C-T. GRCh37 (hg19) VCF-style: chr16-88505414-C-T.
Other names: NM_001127464.1:c.11452C>T; short protein forms R3846W.
Identifiers: ClinVar variation 3476322 (VCV003476322.2).